The following is an entry in ClinVar:

ClinVar aggregate classification (germline): Conflicting classifications of pathogenicity. Review status: criteria provided, conflicting classifications (1 of 4 stars). 4 submissions from 4 submitters: Uncertain significance (3); Likely benign (1). Last evaluated 2024-08-20.

Conditions:
Hereditary breast ovarian cancer syndrome. Also called: Hereditary breast and ovarian cancer syndrome; BRCA1- and BRCA2-Associated Hereditary Breast and Ovarian Cancer; Breast and ovarian cancer; Hereditary breast and/or ovarian cancer syndrome; Hereditary breast and ovarian cancer syndrome (HBOC); Hereditary breast and ovarian cancer. Identifiers: Orphanet 145, MedGen C0677776, MeSH D061325, MONDO:0003582. Disease mechanism: loss of function.
Hereditary cancer-predisposing syndrome. Also called: Hereditary neoplastic syndrome; Hereditary Cancer Syndrome; Neoplastic Syndromes, Hereditary; Tumor predisposition. Identifiers: Orphanet 140162, MedGen C0027672, MeSH D009386, MONDO:0015356.
BRCA2-related cancer predisposition. Identifiers: MedGen CN377758, MONDO:0700269.

Allele frequency attached by ClinVar (database versions not stated): gnomAD exomes below 0.00001.
gnomAD v4.1: 1 of 1,609,956 alleles (0.000062%); highest among the groups gnomAD compares: Non-Finnish European, 0.000085%; no homozygotes.

Submissions (4):

Ambry Genetics
Classification: Uncertain significance for Hereditary cancer-predisposing syndrome. Last evaluated: 2024-08-20. Review status: criteria provided, single submitter. Criteria: Ambry Variant Classification Scheme 2023. Collection method: clinical testing. Allele origin: germline.
Comment: The p.T2197A variant (also known as c.6589A>G), located in coding exon 10 of the BRCA2 gene, results from an A to G substitution at nucleotide position 6589. The threonine at codon 2197 is replaced by alanine, an amino acid with similar properties. This amino acid position is not well conserved in available vertebrate species. In addition, this alteration is predicted to be tolerated by in silico analysis. Based on the available evidence, the clinical significance of this variant remains unclear.

University of Washington Department of Laboratory Medicine, University of Washington
Classification: Likely benign for Hereditary cancer-predisposing syndrome. Last evaluated: 2023-03-23. Review status: criteria provided, single submitter. Criteria: Dines et al. (Genet Med. 2020). Collection method: curation. Allele origin: germline.
Comment: Missense variant in a coldspot region where missense variants are very unlikely to be pathogenic (PMID:31911673).

BRCA2 exon 11 coldspot. Reclassification based on statistical prior probability.

Labcorp Genetics (formerly Invitae), Labcorp
Classification: Uncertain significance for Hereditary breast ovarian cancer syndrome. Last evaluated: 2021-07-07. Review status: criteria provided, single submitter. Criteria: Invitae Variant Classification Sherloc (09022015). Collection method: clinical testing. Allele origin: germline.
Comment: In summary, the available evidence is currently insufficient to determine the role of this variant in disease. Therefore, it has been classified as a Variant of Uncertain Significance. Advanced modeling of protein sequence and biophysical properties (such as structural, functional, and spatial information, amino acid conservation, physicochemical variation, residue mobility, and thermodynamic stability) performed at Invitae indicates that this missense variant is not expected to disrupt BRCA2 protein function. This variant has not been reported in the literature in individuals affected with BRCA2-related conditions. This variant is not present in population databases (ExAC no frequency). This sequence change replaces threonine with alanine at codon 2197 of the BRCA2 protein (p.Thr2197Ala). The threonine residue is weakly conserved and there is a small physicochemical difference between threonine and alanine.

Department of Pathology and Laboratory Medicine, Sinai Health System
Classification: Uncertain significance for BRCA2-related cancer predisposition. Last evaluated: 2020-12-10. Review status: criteria provided, single submitter. Criteria: ACMG Guidelines, 2015. Collection method: clinical testing. Allele origin: germline. Affected: no.

NM_000059.4(BRCA2):c.6589A>G (p.Thr2197Ala)

Gene: BRCA2 (BRCA2 DNA repair associated; plus strand). Cytogenetic location: 13q13.1.
Variant type: single nucleotide variant.
Coding change: c.6589A>G on transcript NM_000059.4 (MANE Select); coding-DNA position 6589, A replaced by G.
Protein change: p.Thr2197Ala; replaces threonine 2197 with alanine.
Molecular consequence: missense variant.
Genome position (GRCh38, 1-based): chr13:32,340,944, A>G. VCF-style: chr13-32340944-A-G. GRCh37 (hg19) VCF-style: chr13-32915081-A-G.
Other names: c.6589A>G (NM_000059.3); short protein forms T2197A.
Identifiers: ClinVar variation 1404472 (VCV001404472.11), dbSNP rs2137528860, ClinGen allele CA387790009.